The following is an entry in ClinVar:

NM_003611.3(OFD1):c.2760G>T (p.Lys920Asn)

Gene: OFD1 (OFD1 centriole and centriolar satellite protein; plus strand). Cytogenetic location: Xp22.2.
Variant type: single nucleotide variant.
Coding change: c.2760G>T on transcript NM_003611.3 (MANE Select); coding-DNA position 2760, G replaced by T.
Protein change: p.Lys920Asn; replaces lysine 920 with asparagine.
Molecular consequence: missense variant.
Genome position (GRCh38, 1-based): chrX:13,768,056, G>T. VCF-style: chrX-13768056-G-T. GRCh37 (hg19) VCF-style: chrX-13786175-G-T.
Other names: c.2640G>T, p.Lys880Asn (NM_001330209.2); c.2340G>T, p.Lys780Asn (NM_001330210.2); short protein forms K780N, K880N, K920N.
Identifiers: ClinVar variation 1329539 (VCV001329539.2), dbSNP rs2147085959, ClinGen allele CA412312344.

ClinVar aggregate classification (germline): Uncertain significance (1 of 4 stars; one submission).

Submission:

GeneDx
Classification: Uncertain significance. Last evaluated: 2021-06-25. Review status: criteria provided, single submitter. Criteria: GeneDx Variant Classification Process June 2021. Collection method: clinical testing. Allele origin: germline. Affected: yes.
Comment: Not observed at significant frequency in large population cohorts (Lek et al., 2016); In silico analysis supports that this missense variant does not alter protein structure/function; Has not been previously published as pathogenic or benign to our knowledge; This variant is associated with the following publications: (PMID: 27535533)